The following is an entry in ClinVar:

ClinVar aggregate classification (germline): Conflicting classifications of pathogenicity. Review status: criteria provided, conflicting classifications (1 of 4 stars). 5 submissions from 5 submitters: Uncertain significance (3); Likely benign (2). Last evaluated 2025-04-22.

Conditions:
PGM1-related disorder. Also called: PGM1-related condition; PGM1-related disorders.
PGM1-congenital disorder of glycosylation. Also called: Congenital disorder of glycosylation type 1t; CDG It; PHOSPHOGLUCOMUTASE 1 DEFICIENCY; PGM1 DEFICIENCY; GLYCOGEN STORAGE DISEASE XIV; GSD XIV. Identifiers: Orphanet 319646, MedGen C2752015, MONDO:0013968, OMIM 614921.

Allele frequency attached by ClinVar (database versions not stated): gnomAD exomes 0.00007 and 0.00018; ESP Exome Variant Server 0.00008; ExAC 0.00011; TOPMed 0.00012; gnomAD 0.00015 and 0.00016.
gnomAD v4.1: 285 of 1,612,528 alleles (0.018%); highest among the groups gnomAD compares: Non-Finnish European, 0.022%; no homozygotes.

Submissions (5):

PreventionGenetics, part of Exact Sciences
Classification: Likely benign for PGM1-related condition. Last evaluated: 2025-04-22. Review status: criteria provided, single submitter. Criteria: ACMG Guidelines, 2015. Collection method: clinical testing. Allele origin: germline.
Comment: This variant is classified as likely benign based on ACMG/AMP sequence variant interpretation guidelines (Richards et al. 2015 PMID: 25741868, with internal and published modifications).

Labcorp Genetics (formerly Invitae), Labcorp
Classification: Uncertain significance for PGM1-congenital disorder of glycosylation. Last evaluated: 2023-09-10. Review status: criteria provided, single submitter. Criteria: Invitae Variant Classification Sherloc (09022015). Collection method: clinical testing. Allele origin: germline.
Comment: This variant has not been reported in the literature in individuals affected with PGM1-related conditions. In summary, the available evidence is currently insufficient to determine the role of this variant in disease. Therefore, it has been classified as a Variant of Uncertain Significance. Variants that disrupt the consensus splice site are a relatively common cause of aberrant splicing (PMID: 17576681, 9536098). Algorithms developed to predict the effect of sequence changes on RNA splicing suggest that this variant is not likely to affect RNA splicing. ClinVar contains an entry for this variant (Variation ID: 291089). This variant is present in population databases (rs375450688, gnomAD 0.02%). This sequence change falls in intron 10 of the PGM1 gene. It does not directly change the encoded amino acid sequence of the PGM1 protein. It affects a nucleotide within the consensus splice site.

GeneDx
Classification: Likely benign. Last evaluated: 2021-03-04. Review status: criteria provided, single submitter. Criteria: GeneDx Variant Classification Process June 2021. Collection method: clinical testing. Allele origin: germline. Affected: yes.

Genetic Services Laboratory, University of Chicago
Classification: Uncertain significance. Last evaluated: 2020-07-30. Review status: criteria provided, single submitter. Criteria: ACMG Guidelines, 2015. Collection method: clinical testing. Allele origin: germline. Affected: no.
Comment: DNA sequence analysis of the PGM1 gene demonstrated a sequence change in intron 10, c.1600-3C>T. This change does not appear to have been previously described in patients with PGM1-related disorders and has been described in the gnomAD with a low population frequency of 0.015% in non-Finnish European subpopulation (dbSNP rs375450688). This sequence change is not clearly predicted to have a deleterious effect on splicing based on in silico splice prediction programs. It is possible that this sequence change represents a benign sequence change in the PGM1 gene that has not been identified to date. The functional significance of this sequence change is not known at present and its contribution to this patient's disease phenotype cannot definitively be determined.

Eurofins Ntd Llc (ga)
Classification: Uncertain significance. Last evaluated: 2016-09-01. Review status: criteria provided, single submitter. Criteria: EGL Classification Definitions 2015. Collection method: clinical testing. Allele origin: germline. Observed: 1 variant allele, 1 heterozygote.

Literature cited by the submitters: PubMed 17576681 (cited by Labcorp Genetics (formerly Invitae), Labcorp); PubMed 9536098 (cited by Labcorp Genetics (formerly Invitae), Labcorp).

NM_002633.3(PGM1):c.1600-3C>T

Gene: PGM1 (phosphoglucomutase 1; plus strand). Cytogenetic location: 1p31.3.
Variant type: single nucleotide variant.
Coding change: c.1600-3C>T on transcript NM_002633.3 (MANE Select); 3 bases into the intron before coding-DNA position 1600, C replaced by T.
Molecular consequence: intron variant.
Genome position (GRCh38, 1-based): chr1:63,659,583, C>T. VCF-style: chr1-63659583-C-T. GRCh37 (hg19) VCF-style: chr1-64125254-C-T.
Other names: c.1009-3C>T (NM_001172819.2); c.1654-3C>T (NM_001172818.1).
Identifiers: ClinVar variation 291089 (VCV000291089.15), dbSNP rs375450688, ClinGen allele CA889930.